The following is an entry in ClinVar:

ClinVar aggregate classification (germline): Uncertain significance (1 of 4 stars; one submission).

Conditions:
Cernunnos-XLF deficiency (IMD124). Also called: SCID, AUTOSOMAL RECESSIVE, T CELL-NEGATIVE, B CELL-NEGATIVE, NK CELL-POSITIVE, WITH MICROCEPHALY, GROWTH RETARDATION, AND SENSITIVITY TO IONIZING RADIATION; NHEJ1 SYNDROME; Severe combined immunodeficiency with sensitivity to ionizing radiation due to NHEJ1 deficiency; SCID, autosomal recessive, T cell-negative, B cell-negative, NK cell-positive, and sensitivity to ionizing radiation due to NHEJ1 deficiency; IMMUNODEFICIENCY 124, SEVERE COMBINED. Identifiers: Orphanet 169079, MedGen C1969799, MONDO:0012650, OMIM 611291.

Allele frequency attached by ClinVar (database versions not stated): TOPMed 0.00003.
gnomAD v4.1: 12 of 1,614,080 alleles (0.00074%); highest among the groups gnomAD compares: Admixed American, 0.0083%; no homozygotes.

Submission:

Labcorp Genetics (formerly Invitae), Labcorp
Classification: Uncertain significance for Cernunnos-XLF deficiency. Last evaluated: 2022-07-31. Review status: criteria provided, single submitter. Criteria: Invitae Variant Classification Sherloc (09022015). Collection method: clinical testing. Allele origin: germline.
Comment: This sequence change replaces tyrosine, which is neutral and polar, with cysteine, which is neutral and slightly polar, at codon 218 of the NHEJ1 protein (p.Tyr218Cys). This variant is present in population databases (rs776714106, gnomAD 0.01%). This variant has not been reported in the literature in individuals affected with NHEJ1-related conditions. Algorithms developed to predict the effect of missense changes on protein structure and function are either unavailable or do not agree on the potential impact of this missense change (SIFT: "Deleterious"; PolyPhen-2: "Probably Damaging"; Align-GVGD: "Class C0"). In summary, the available evidence is currently insufficient to determine the role of this variant in disease. Therefore, it has been classified as a Variant of Uncertain Significance.

NM_024782.3(NHEJ1):c.653A>G (p.Tyr218Cys)

Gene: NHEJ1 (non-homologous end joining factor 1; minus strand). Cytogenetic location: 2q35.
Variant type: single nucleotide variant.
Coding change: c.653A>G on transcript NM_024782.3 (MANE Select); coding-DNA position 653, A replaced by G.
Protein change: p.Tyr218Cys; replaces tyrosine 218 with cysteine.
Molecular consequence: missense variant. On other transcripts: non-coding transcript variant (1).
Genome position (GRCh38, 1-based): chr2:219,078,142, T>C on the plus strand (A>G on the coding strand, the complement: NHEJ1 is on the minus strand). VCF-style: chr2-219078142-T-C. GRCh37 (hg19) VCF-style: chr2-219942864-T-C.
Other names: c.653A>G, p.Tyr218Cys (NM_001377498.1, NM_001377499.1); short protein forms Y218C.
Identifiers: ClinVar variation 1928445 (VCV001928445.2), dbSNP rs776714106, ClinGen allele CA2116905.